The following is an entry in ClinVar:

NM_001374828.1(ARID1B):c.2582-2A>C

Gene: ARID1B (AT-rich interaction domain 1B; plus strand). Cytogenetic location: 6q25.3.
Variant type: single nucleotide variant.
Coding change: c.2582-2A>C on transcript NM_001374828.1 (MANE Select); the canonical splice acceptor site of the intron before coding-DNA position 2582, A replaced by C.
Molecular consequence: splice acceptor variant.
Genome position (GRCh38, 1-based): chr6:157,133,026, A>C. VCF-style: chr6-157133026-A-C. GRCh37 (hg19) VCF-style: chr6-157454160-A-C.
Other names: c.2372-2A>C (NM_020732.3); c.2621-2A>C (NM_001371656.1, NM_001374820.1); c.2582-2A>C (NM_017519.3); c.83-2A>C (NM_001363725.2).
Identifiers: ClinVar variation 391602 (VCV000391602.5), dbSNP rs1057524160, ClinGen allele CA16605057.

ClinVar aggregate classification (germline): Conflicting classifications of pathogenicity. Review status: criteria provided, conflicting classifications (1 of 4 stars). 3 submissions from 3 submitters: Likely pathogenic (2); Uncertain significance (1). Last evaluated 2021-07-15.

Conditions:
Coffin-Siris syndrome 1 (CSS1). Also called: Mental retardation, autosomal dominant 12; ARID1B-Related Coffin-Siris Syndrome. Identifiers: Orphanet 1465, MedGen C3281201, MONDO:0007617, OMIM 135900. Disease mechanism: gain of function.

Allele frequency attached by ClinVar (database versions not stated): gnomAD exomes below 0.00001.
gnomAD v4.1: 1 of 1,595,234 alleles (0.000063%); highest among the groups gnomAD compares: Admixed American, 0.0018%; no homozygotes.

Submissions (3):

Genome-Nilou Lab
Classification: Likely pathogenic for Coffin-Siris syndrome 1. Last evaluated: 2021-07-15. Review status: criteria provided, single submitter. Criteria: ACMG Guidelines, 2015. Collection method: clinical testing. Allele origin: germline. Affected: no.

Baylor Genetics
Classification: Likely pathogenic for Coffin-Siris syndrome 1. Last evaluated: 2019-02-06. Review status: criteria provided, single submitter. Criteria: ACMG Guidelines, 2015. Collection method: clinical testing. Allele origin: maternal. Affected: yes.
Comment: This variant was determined to be likely pathogenic according to ACMG Guidelines, 2015 [PMID:25741868].

GeneDx
Classification: Uncertain significance. Last evaluated: 2016-12-12. Review status: criteria provided, single submitter. Criteria: GeneDx Variant Classification (06012015). Collection method: clinical testing. Allele origin: germline. Affected: yes.
Comment: A variant of uncertain significance has been identified in the ARID1B gene. The c.2372-2A>C variant has not been published as a pathogenic variant, nor has it been reported as a benign variant to our knowledge. It is not observed in large population cohorts (Lek et al., 2016; 1000 Genomes Consortium et al., 2015; Exome Variant Server). The c.2372-2A>C splice site variant destroys the canonical splice acceptor site in intron 7. It is predicted to cause abnormal gene splicing, either leading to an abnormal message that is subject to nonsense-mediated mRNA decay, or to an abnormal protein product if the message is used for protein translation. Based on the currently available information, it is unclear whether this variant is a pathogenic variant or a rare benign variant.